The following is an entry in ClinVar:

ClinVar aggregate classification (germline): Benign/Likely benign. Review status: criteria provided, multiple submitters, no conflicts (2 of 4 stars). 5 submissions from 5 submitters: Benign (2); Likely benign (3). Last evaluated 2025-12-27.

Conditions:
Inborn genetic diseases. Identifiers: MedGen C0950123, MeSH D030342.
STX1B-related disorder. Also called: STX1B-related condition.
Generalized epilepsy with febrile seizures plus, type 9 (GEFSP9). Also called: GEFS+, TYPE 9. Identifiers: Orphanet 36387, MedGen C4015395, MONDO:0014517, OMIM 616172.

Allele frequency attached by ClinVar (database versions not stated): ExAC 0.00012; 1000 Genomes Project 30x 0.00031; ESP Exome Variant Server 0.00038; 1000 Genomes Project 0.00040; gnomAD 0.00043 and 0.00048; TOPMed 0.00048.
gnomAD v4.1: 128 of 1,614,144 alleles (0.0079%); highest among the groups gnomAD compares: African/African-American, 0.16%; 2 homozygotes.

Submissions (5):

PreventionGenetics, part of Exact Sciences
Classification: Likely benign for STX1B-related condition. Last evaluated: 2025-12-27. Review status: criteria provided, single submitter. Criteria: ACMG Guidelines, 2015. Collection method: clinical testing. Allele origin: germline.
Comment: This variant is classified as likely benign based on ACMG/AMP sequence variant interpretation guidelines (Richards et al. 2015 PMID: 25741868, with internal and published modifications).

Labcorp Genetics (formerly Invitae), Labcorp
Classification: Benign for Generalized epilepsy with febrile seizures plus, type 9. Last evaluated: 2025-11-13. Review status: criteria provided, single submitter. Criteria: Invitae Variant Classification Sherloc (09022015). Collection method: clinical testing. Allele origin: germline.

Blueprint Genetics
Classification: Likely benign. Last evaluated: 2022-06-07. Review status: criteria provided, single submitter. Criteria: ACMG Guidelines, 2015. Collection method: clinical testing. Allele origin: germline.

GeneDx
Classification: Benign. Last evaluated: 2020-11-11. Review status: criteria provided, single submitter. Criteria: GeneDx Variant Classification Process June 2021. Collection method: clinical testing. Allele origin: germline. Affected: yes.

Ambry Genetics
Classification: Likely benign for Inborn genetic diseases. Last evaluated: 2017-10-27. Review status: criteria provided, single submitter. Criteria: Ambry Variant Classification Scheme 2023. Collection method: clinical testing. Allele origin: germline.

NM_052874.5(STX1B):c.513G>C (p.Gly171=)

Gene: STX1B (syntaxin 1B; minus strand). Cytogenetic location: 16p11.2.
Variant type: single nucleotide variant.
Coding change: c.513G>C on transcript NM_052874.5 (MANE Select); coding-DNA position 513, G replaced by C.
Protein change: p.Gly171=; no amino-acid change (glycine 171 retained).
Molecular consequence: synonymous variant.
Genome position (GRCh38, 1-based): chr16:30,996,707, C>G on the plus strand (G>C on the coding strand, the complement: STX1B is on the minus strand). VCF-style: chr16-30996707-C-G. GRCh37 (hg19) VCF-style: chr16-31008028-C-G.
Identifiers: ClinVar variation 542098 (VCV000542098.18), dbSNP rs143402089, ClinGen allele CA8018342.
Genomic context (GRCh38, chr16:30,996,707, plus strand): 5'-TTTCCAAAAGCAGAGCCCGCCCCACCCGCGGCTCACGTCATCTGTGAAGATGGCCAGCTT[C>G]CCGCTCTCCAGCATGTCTTCCAGTTCTTCGTTGGTGGTGGTCCTTCCAGCTGCGGGAAGA-3'
Protein context (NP_443106.1, residues 161-181): NEELEDMLES[Gly171=]KLAIFTDDIK